The following is an entry in ClinVar:

NM_002755.4(MAP2K1):c.371C>T (p.Pro124Leu)

Gene: MAP2K1 (mitogen-activated protein kinase kinase 1; plus strand). Cytogenetic location: 15q22.31.
Variant type: single nucleotide variant.
Coding change: c.371C>T on transcript NM_002755.4 (MANE Select); coding-DNA position 371, C replaced by T.
Protein change: p.Pro124Leu; replaces proline 124 with leucine.
Molecular consequence: missense variant.
Genome position (GRCh38, 1-based): chr15:66,436,825, C>T. VCF-style: chr15-66436825-C-T. GRCh37 (hg19) VCF-style: chr15-66729163-C-T.
Other names: short protein forms P124L.
Identifiers: ClinVar variation 40744 (VCV000040744.57), dbSNP rs397516792, ClinGen allele CA279996.

ClinVar aggregate classification (germline): Pathogenic/Likely pathogenic. Review status: criteria provided, multiple submitters, no conflicts (2 of 4 stars). 12 submissions from 12 submitters: Pathogenic (9); Likely pathogenic (2). 1 of the submissions does not count toward it. Last evaluated 2026-04-29.

Conditions:
MAP2K1-related disorder. Also called: MAP2K1-related condition; MAP2K1-related disorders.
Noonan syndrome and Noonan-related syndrome. Identifiers: Orphanet 98733, MedGen C5681679, MONDO:0020297.
Cardio-facio-cutaneous syndrome. Also called: Cardiofaciocutaneous syndrome; CFC syndrome. Identifiers: Orphanet 1340, MedGen C1275081, MONDO:0015280. Disease mechanism: gain of function.
Cardiofaciocutaneous syndrome 3 (CFC3). Also called: MAP2K1-Related Cardiofaciocutaneous Syndrome. Identifiers: Orphanet 1340, MedGen C3809006, MONDO:0014113, OMIM 615279.
RASopathy. Also called: rasopathies; Noonan spectrum disorder. Identifiers: Orphanet 536391, MedGen C5555857, MONDO:0021060.

Submissions (12):

Victorian Clinical Genetics Services, Murdoch Childrens Research Institute
Classification: Pathogenic for Cardiofaciocutaneous syndrome 3. Last evaluated: 2026-04-29. Review status: criteria provided, single submitter. Criteria: ACMG Guidelines, 2015. Collection method: clinical testing. Allele origin: germline. Affected: yes.
Comment: This variant is classified as Pathogenic. Evidence in support of pathogenic classification: Variant is absent from gnomAD (v2, v3 and v4); This variant has strong previous evidence of pathogenicity in unrelated individuals. This variant has been classified as likely pathogenic/pathogenic by many clinical laboratories in ClinVar and has been reported as de novo in the literature in an individual with cardiofaciocutaneous syndrome type 3 (PMID: 34522120); Other missense variants comparable to the one identified in this case have strong previous evidence for pathogenicity. The p.(Pro124Ser) variant has been classified as pathogenic by many clinical laboratories in ClinVar, including by the ClinGen RASopathy expert panel. Additionally, the p.(Pro124Ala) and p.(Pro124Arg) variants have been classified as likely pathogenic or pathogenic by clinical laboratories in ClinVar; Missense variant predicted to be damaging by in silico tool(s) or highly conserved with a major amino acid change; Additional information: Variant is predicted to result in a missense amino acid change from Pro to Leu; This variant is heterozygous; This gene is associated with autosomal dominant disease; Variant is located in the annotated protein kinase domain (DECIPHER). - Gain of function is a known mechanism of disease in this gene and is associated with cardiofaciocutaneous syndrome 3 (MIM#615279). Pathogenic variants display increased phosphorylation of target proteins (OMIM, PMID: 30087384); Variants in this gene are known to have variable expressivity. The features associated with cardiofaciocutaneous syndrome 3 (MIM#615279), such as the degree of intellectual disability, have been shown to vary widely between reported patients (PMID: 27862862).

CeGaT Center for Human Genetics Tuebingen
Classification: Pathogenic. Last evaluated: 2024-05-01. Review status: criteria provided, single submitter. Criteria: CeGaT Center For Human Genetics Tuebingen Variant Classification Criteria Version 2. Collection method: clinical testing. Allele origin: germline. Affected: yes. Observed: 2 variant alleles.
Comment: MAP2K1: PM1, PM2, PM5, PS2:Moderate, PS4:Moderate, PP2, PP3

Labcorp Genetics (formerly Invitae), Labcorp
Classification: Pathogenic for RASopathy. Last evaluated: 2023-12-07. Review status: criteria provided, single submitter. Criteria: Invitae Variant Classification Sherloc (09022015). Collection method: clinical testing. Allele origin: germline.
Comment: This sequence change replaces proline, which is neutral and non-polar, with leucine, which is neutral and non-polar, at codon 124 of the MAP2K1 protein (p.Pro124Leu). This variant is not present in population databases (gnomAD no frequency). This missense change has been observed in individuals with clinical features of MAP2K1-related conditions (PMID: 17366577, 27862862; Invitae). ClinVar contains an entry for this variant (Variation ID: 40744). Advanced modeling of protein sequence and biophysical properties (such as structural, functional, and spatial information, amino acid conservation, physicochemical variation, residue mobility, and thermodynamic stability) performed at Invitae indicates that this missense variant is expected to disrupt MAP2K1 protein function with a positive predictive value of 80%. Experimental studies are conflicting or provide insufficient evidence to determine the effect of this variant on MAP2K1 function (PMID: 28049852). This variant disrupts the p.Pro124 amino acid residue in MAP2K1. Other variant(s) that disrupt this residue have been determined to be pathogenic (PMID: 17551924, 28049852, 32005694, 32978145). This suggests that this residue is clinically significant, and that variants that disrupt this residue are likely to be disease-causing. For these reasons, this variant has been classified as Pathogenic.

Department of Human Genetics, Hannover Medical School
Classification: Likely pathogenic for Cardiofaciocutaneous syndrome 3. Last evaluated: 2023-10-26. Review status: criteria provided, single submitter. Criteria: ACMG Guidelines, 2015. Collection method: clinical testing. Allele origin: germline. Affected: yes.

GeneDx
Classification: Pathogenic. Last evaluated: 2023-09-11. Review status: criteria provided, single submitter. Criteria: GeneDx Variant Classification Process June 2021. Collection method: clinical testing. Allele origin: germline. Affected: yes.
Comment: Functional studies examining the morphological effect of P124L in zebrafish show a significant effect on oval shape, lethality, and heart size (PMID: 28049852); Published functional studies demonstrate a damaging effect with increased phosphorylation of ERK (PMID: 19915144); Not observed at significant frequency in large population cohorts (gnomAD); The majority of missense variants in this gene are considered pathogenic (PMID: 29493581); This variant is associated with the following publications: (PMID: 34522120, 34758253, 17366577, 24803665, 28191890, 28714951, 31785789, 32641410, 25370473, 22753777, 19156172, 26399658, 22177953, 29493581, 36442478, 28049852, 19915144, 27862862)

Institute of Human Genetics Munich, TUM University Hospital
Classification: Pathogenic for Cardiofaciocutaneous syndrome 3. Last evaluated: 2022-08-09. Review status: criteria provided, single submitter. Criteria: Classification criteria August 2017. Collection method: clinical testing. Allele origin: de novo. Inheritance: Autosomal dominant inheritance. Affected: yes. Observed: 1 variant allele.

Blueprint Genetics
Classification: Pathogenic for MAP2K1-related disorders. Last evaluated: 2022-06-29. Review status: criteria provided, single submitter. Criteria: ACMG Guidelines, 2015. Collection method: clinical testing. Allele origin: germline. Affected: yes. Observed: 1 variant allele.

MGZ Medical Genetics Center
Classification: Pathogenic for Cardiofaciocutaneous syndrome 3. Last evaluated: 2022-06-13. Review status: criteria provided, single submitter. Criteria: ACMG Guidelines, 2015. Collection method: clinical testing. Allele origin: germline. Affected: yes. Observed: 1 variant allele.
Comment: ACMG criteria applied: PS2, PS3, PM2_SUP, PP3

Genome Diagnostics Laboratory, The Hospital for Sick Children
Classification: Pathogenic for Noonan syndrome and Noonan-related syndrome. Last evaluated: 2018-03-15. Review status: criteria provided, single submitter. Criteria: ACMG Guidelines, 2015. Collection method: clinical testing. Allele origin: germline. Affected: yes.

Women's Health and Genetics/Laboratory Corporation of America, LabCorp
Classification: Pathogenic for Cardio-facio-cutaneous syndrome. Last evaluated: 2017-05-22. Review status: criteria provided, single submitter. Criteria: LabCorp Variant Classification Summary - May 2015. Collection method: clinical testing. Allele origin: germline.
Comment: Variant summary: The MAP2K1 c.371C>T (p.Pro124Leu) variant causes a missense change involving the alteration of a highly conserved nucleotide. 4/4 in silico tools predict a damaging outcome for this variant (SNPsandGO not captured due to low reliability index). The variant of interest is absent from large, broad control datasets of ExAC and gnomAD (~121408 and 246224 control chromosomes tested). This variant was reported as a germline variant in at least one patient with presented with Cardio-Facio-Cutaneous syndrome (CFC) (Narumi_MAP2K2_AJMG_2007). This variant is also reported as a somatic change in multiple types of cancer, including melanoma (Chang_NatBiotech_2016, Trunzer_JofClinOnc_2013). In the zebrafish embryonic assay the variant was causing dysmorphology and increased embryonic lethality. In addition, other alteration of the same codon, c.371C>A (P124Q) have been reported as a de novo change in CFC patient (Gripp, 2007). Lastly, one clinical diagnostic laboratory and a literature review via ClinVar classified this variant as likely pathogenic. Taken together, this variant is classified as pathogenic.

Laboratory for Molecular Medicine, Mass General Brigham Personalized Medicine
Classification: Likely pathogenic for Cardio-facio-cutaneous syndrome. Last evaluated: 2010-09-02. Review status: criteria provided, single submitter. Criteria: LMM Criteria. Collection method: clinical testing. Allele origin: germline. Observed: 1 variant allele.
Comment: The Pro124Leu variant has been identified in one individual with clinical featur es of Cardio-facio-cutaneous syndrome (Narumi 2007). In addition, a different am ino acid change at this location (Pro124Gln) was identified as a de novo variant in an indidual with clinical features of Cardio-facio-cutaneous syndrome and Co stello syndrome (Gripp 2007). Therefore, this variant is likely to be pathogenic .

Genomics England Pilot Project, Genomics England
Classification: Pathogenic for Cardiofaciocutaneous syndrome 3. Review status: no assertion criteria provided. Criteria: ACGS Guidelines, 2016. Collection method: clinical testing. Allele origin: germline. Affected: yes. Not counted in ClinVar's aggregate classification.

Literature cited by the submitters: PubMed 27862862 (cited by Victorian Clinical Genetics Services, Murdoch Childrens Research Institute and Labcorp Genetics (formerly Invitae), Labcorp); PubMed 34522120 (cited by Victorian Clinical Genetics Services, Murdoch Childrens Research Institute); PubMed 30087384 (cited by Victorian Clinical Genetics Services, Murdoch Childrens Research Institute); PubMed 17366577 (cited by 3 submitters); PubMed 28049852 (cited by Labcorp Genetics (formerly Invitae), Labcorp and Women's Health and Genetics/Laboratory Corporation of America, LabCorp); PubMed 17551924 (cited by 3 submitters); PubMed 32005694 (cited by Labcorp Genetics (formerly Invitae), Labcorp); PubMed 32978145 (cited by Labcorp Genetics (formerly Invitae), Labcorp); PubMed 23569304 (cited by Women's Health and Genetics/Laboratory Corporation of America, LabCorp); PubMed 24803665 (cited by Women's Health and Genetics/Laboratory Corporation of America, LabCorp); PubMed 19915144 (cited by Laboratory for Molecular Medicine, Mass General Brigham Personalized Medicine).